The following is an entry in ClinVar:

NM_001256317.3(TMPRSS3):c.731G>T (p.Gly244Val)

Gene: TMPRSS3 (transmembrane serine protease 3; minus strand). Cytogenetic location: 21q22.3.
Variant type: single nucleotide variant.
Coding change: c.731G>T on transcript NM_001256317.3 (MANE Select); coding-DNA position 731, G replaced by T.
Protein change: p.Gly244Val; replaces glycine 244 with valine.
Molecular consequence: missense variant.
Genome position (GRCh38, 1-based): chr21:42,383,084, C>A on the plus strand (G>T on the coding strand, the complement: TMPRSS3 is on the minus strand). VCF-style: chr21-42383084-C-A. GRCh37 (hg19) VCF-style: chr21-43803193-C-A.
Other names: c.731G>T, p.Gly244Val (NM_024022.4, NM_032405.2); c.350G>T, p.Gly117Val (NM_032404.3); short protein forms G244V, G117V.
Identifiers: ClinVar variation 46128 (VCV000046128.7), dbSNP rs397517377, ClinGen allele CA137723.

ClinVar aggregate classification (germline): Uncertain significance. Review status: criteria provided, multiple submitters, no conflicts (2 of 4 stars). 2 submissions from 2 submitters: Uncertain significance (2). Last evaluated 2022-08-24.

Allele frequency attached by ClinVar (database versions not stated): gnomAD 0.00001; TOPMed 0.00001.
gnomAD v4.1: 10 of 1,614,034 alleles (0.00062%); highest among the groups gnomAD compares: Admixed American, 0.0033%; no homozygotes.

Submissions (2):

Labcorp Genetics (formerly Invitae), Labcorp
Classification: Uncertain significance. Last evaluated: 2022-08-24. Review status: criteria provided, single submitter. Criteria: Invitae Variant Classification Sherloc (09022015). Collection method: clinical testing. Allele origin: germline.
Comment: This sequence change replaces glycine, which is neutral and non-polar, with valine, which is neutral and non-polar, at codon 244 of the TMPRSS3 protein (p.Gly244Val). This variant is present in population databases (rs397517377, gnomAD 0.0009%). This missense change has been observed in individual(s) with deafness (Invitae). ClinVar contains an entry for this variant (Variation ID: 46128). Advanced modeling of protein sequence and biophysical properties (such as structural, functional, and spatial information, amino acid conservation, physicochemical variation, residue mobility, and thermodynamic stability) performed at Invitae indicates that this missense variant is expected to disrupt TMPRSS3 protein function. This variant disrupts the p.Gly244 amino acid residue in TMPRSS3. Other variant(s) that disrupt this residue have been observed in individuals with TMPRSS3-related conditions (PMID: 30622556), which suggests that this may be a clinically significant amino acid residue. In summary, the available evidence is currently insufficient to determine the role of this variant in disease. Therefore, it has been classified as a Variant of Uncertain Significance.

Laboratory for Molecular Medicine, Mass General Brigham Personalized Medicine
Classification: Uncertain significance. Last evaluated: 2010-08-20. Review status: criteria provided, single submitter. Criteria: LMM Criteria. Collection method: clinical testing. Allele origin: germline. Observed: 1 variant allele.
Comment: Variant classified as Uncertain Significance - Favor Pathogenic. The Gly244Val v ariant in TMPRSS3 has not been reported in the literature nor previously identif ied by our laboratory. This residue is conserved across mammals and computationa l analyses (PolyPhen, SIFT, AlignGVGD) suggest that the Gly244Val variant may im pact the protein. However, this information alone is not predictive enough to as sume pathogenicity. It should be noted that this lab has sequenced a limited num ber of individuals such that the spectrum of benign variation has not yet been d efined for this gene. However, the presence of this variant in combination with a reported pathogenic variant increases the likelihood that the Gly244Val varian t is pathogenic. In summary, the clinical significance of this variant cannot be determined with certainty at this time; however based upon the arguments descri bed above, we would lean towards a more likely pathogenic role.

Literature cited by the submitters: PubMed 30622556 (cited by Labcorp Genetics (formerly Invitae), Labcorp).